The following is an entry in ClinVar:

ClinVar aggregate classification (germline): Uncertain significance (1 of 4 stars; one submission).

Conditions:
Adenylosuccinate lyase deficiency (ADSLD). Also called: ADSL DEFICIENCY. Identifiers: Orphanet 46, MedGen C0268126, MONDO:0007068, OMIM 103050.

Submission:

Labcorp Genetics (formerly Invitae), Labcorp
Classification: Uncertain significance for Adenylosuccinate lyase deficiency. Last evaluated: 2022-03-20. Review status: criteria provided, single submitter. Criteria: Invitae Variant Classification Sherloc (09022015). Collection method: clinical testing. Allele origin: germline.
Comment: This variant occurs in a non-coding region of the ADSL gene. It does not change the encoded amino acid sequence of the ADSL protein. This variant is not present in population databases (gnomAD no frequency). This variant has not been reported in the literature in individuals affected with ADSL-related conditions. Experimental studies and prediction algorithms are not available or were not evaluated, and the functional significance of this variant is currently unknown. In summary, the available evidence is currently insufficient to determine the role of this variant in disease. Therefore, it has been classified as a Variant of Uncertain Significance.

NC_000022.11:g.40346491del

Gene: ADSL (adenylosuccinate lyase; plus strand). Cytogenetic location: 22q13.1.
Variant type: Deletion.
Genome position: GRCh38 VCF-style: chr22-40346488-GC-G. GRCh37 (hg19) VCF-style: chr22-40742492-GC-G.
Identifiers: ClinVar variation 1973841 (VCV001973841.3), dbSNP rs2518077210, ClinGen allele CA2580099863.